The following is an entry in ClinVar:

ClinVar aggregate classification (germline): Uncertain significance. Review status: criteria provided, multiple submitters, no conflicts (2 of 4 stars). 2 submissions from 2 submitters: Uncertain significance (2). Last evaluated 2024-12-07.

Conditions:
Early-infantile DEE. Also called: Early infantile epileptic encephalopathy; Ohtahara syndrome; Early infantile epileptic encephalopathy with suppression bursts. Identifiers: Orphanet 1934, MedGen C0393706, MONDO:0800491.

Allele frequency attached by ClinVar (database versions not stated): gnomAD exomes below 0.00001; TOPMed 0.00001; ExAC 0.00002; gnomAD 0.00002; ESP Exome Variant Server 0.00008.

Submissions (2):

Labcorp Genetics (formerly Invitae), Labcorp
Classification: Uncertain significance for Early-infantile DEE. Last evaluated: 2024-12-07. Review status: criteria provided, single submitter. Criteria: Invitae Variant Classification Sherloc (09022015). Collection method: clinical testing. Allele origin: germline.
Comment: This sequence change replaces alanine, which is neutral and non-polar, with threonine, which is neutral and polar, at codon 2075 of the SPTAN1 protein (p.Ala2075Thr). This variant is present in population databases (rs149458689, gnomAD 0.002%). This variant has not been reported in the literature in individuals affected with SPTAN1-related conditions. ClinVar contains an entry for this variant (Variation ID: 1938630). Invitae Evidence Modeling of protein sequence and biophysical properties (such as structural, functional, and spatial information, amino acid conservation, physicochemical variation, residue mobility, and thermodynamic stability) has been performed for this missense variant. However, the output from this modeling did not meet the statistical confidence thresholds required to predict the impact of this variant on SPTAN1 protein function. In summary, the available evidence is currently insufficient to determine the role of this variant in disease. Therefore, it has been classified as a Variant of Uncertain Significance.

Clinical Genetics Laboratory, Skane University Hospital Lund
Classification: Uncertain significance. Last evaluated: 2023-06-28. Review status: criteria provided, single submitter. Criteria: ACMG Guidelines, 2015. Collection method: clinical testing. Allele origin: germline. Affected: yes.

NM_001130438.3(SPTAN1):c.6223G>A (p.Ala2075Thr)

Gene: SPTAN1 (spectrin alpha, non-erythrocytic 1; plus strand). Cytogenetic location: 9q34.11.
Variant type: single nucleotide variant.
Coding change: c.6223G>A on transcript NM_001130438.3 (MANE Select); coding-DNA position 6223, G replaced by A.
Protein change: p.Ala2075Thr; replaces alanine 2075 with threonine.
Molecular consequence: missense variant.
Genome position (GRCh38, 1-based): chr9:128,625,922, G>A. VCF-style: chr9-128625922-G-A. GRCh37 (hg19) VCF-style: chr9-131388201-G-A.
Other names: c.6148G>A, p.Ala2050Thr (NM_001195532.2); c.6223G>A, p.Ala2075Thr (NM_001363759.2, NM_001375310.1, NM_001375311.2 and 1 more transcripts); c.6163G>A, p.Ala2055Thr (NM_001363765.2, NM_001375314.2); c.6259G>A, p.Ala2087Thr (NM_001375312.2, NM_001375318.1); c.6208G>A, p.Ala2070Thr (NM_003127.4); short protein forms A2075T, A2087T, A2050T, A2055T, A2070T.
Identifiers: ClinVar variation 1938630 (VCV001938630.6), dbSNP rs149458689, ClinGen allele CA5265663.